The following is an entry in ClinVar:

ClinVar aggregate classification (germline): Uncertain significance (1 of 4 stars; one submission).

Allele frequency attached by ClinVar (database versions not stated): gnomAD 0.00001; gnomAD exomes 0.00001 and 0.00002; TOPMed 0.00002; ExAC 0.00003.
gnomAD v4.1: 22 of 1,614,068 alleles (0.0014%); highest among the groups gnomAD compares: East Asian, 0.0022%; no homozygotes.

Submission:

ARUP Laboratories, Molecular Genetics and Genomics, ARUP Laboratories
Classification: Uncertain significance. Last evaluated: 2017-08-31. Review status: criteria provided, single submitter. Criteria: ARUP Molecular Germline Variant Investigation Process. Collection method: clinical testing. Allele origin: germline.
Comment: Protein encoded by this gene acts at least in part as component of the WASH core complex whose assembly at the surface of endosomes seems to inhibit WASH nucleation-promoting factor (NPF) activity in recruiting and activating the Arp2/3 complex to induce actin polymerization, and which is involved in the regulation of the fission of tubules that serve as transport intermediates during endosome sorting. The WASHC4 is listed in OMIM in association with autosomal recessive mental retardation 43 (MIM:615817). However, this is based on only one report of a large consanguineous family with two branches and seven affected children, all with moderate to severe intellectual disability carrying homozygous c.3056C>G; p.Pro1019Arg variant (Ropers 2011). Additionally, Genovese et al. (2016) reported five different WASHC4/KIAA1033 variants in a Swedish cohort of schizophrenia patients. The Exome Aggregation Consortium browser (ExAC) predicts the WASHC4/KIAA1033 gene to be loss-of-function tolerant. The germline c.1673T>C; p.Ile558Thr variant has not been previously reported in medical literature, gene specific variant databases or previously identified in our laboratory. Based on the available information, the clinical significance of the p.Ile558Thr variant cannot be determined with certainty.

NM_015275.3(WASHC4):c.1673T>C (p.Ile558Thr)

Gene: WASHC4 (WASH complex subunit 4; plus strand). Cytogenetic location: 12q23.3.
Variant type: single nucleotide variant.
Coding change: c.1673T>C on transcript NM_015275.3 (MANE Select); coding-DNA position 1673, T replaced by C.
Protein change: p.Ile558Thr; replaces isoleucine 558 with threonine.
Molecular consequence: missense variant.
Genome position (GRCh38, 1-based): chr12:105,141,011, T>C. VCF-style: chr12-105141011-T-C. GRCh37 (hg19) VCF-style: chr12-105534789-T-C.
Other names: c.1676T>C, p.Ile559Thr (NM_001293640.2); short protein forms I558T, I559T.
Identifiers: ClinVar variation 618188 (VCV000618188.9), dbSNP rs755148123, ClinGen allele CA6758672.